The following is an entry in ClinVar:

ClinVar aggregate classification (germline): Benign/Likely benign. Review status: criteria provided, multiple submitters, no conflicts (2 of 4 stars). 7 submissions from 7 submitters: Benign (2); Likely benign (5). Last evaluated 2026-01-31.

Conditions:
Fanconi anemia (FA). Also called: Fanconi's anemia. Identifiers: Orphanet 84, MedGen C0015625, MeSH D005199, MONDO:0019391.
Fanconi anemia complementation group I (FANCI). Also called: FANCI-Related Fanconi Anemia. Identifiers: Orphanet 84, MedGen C1836861, MONDO:0012186, OMIM 609053.

Allele frequency attached by ClinVar (database versions not stated): ExAC 0.00126; ESP Exome Variant Server 0.00300; gnomAD 0.00376 and 0.00400; 1000 Genomes Project 30x 0.00406; gnomAD exomes 0.00041 and 0.00101; 1000 Genomes Project 0.00419; TOPMed 0.00450.

Submissions (7):

Labcorp Genetics (formerly Invitae), Labcorp
Classification: Benign for Fanconi anemia. Last evaluated: 2026-01-31. Review status: criteria provided, single submitter. Criteria: Invitae Variant Classification Sherloc (09022015). Collection method: clinical testing. Allele origin: germline.

CeGaT Center for Human Genetics Tuebingen
Classification: Likely benign. Last evaluated: 2025-05-01. Review status: criteria provided, single submitter. Criteria: CeGaT Center For Human Genetics Tuebingen Variant Classification Criteria Version 2. Collection method: clinical testing. Allele origin: germline. Affected: yes. Observed: 2 variant alleles.
Comment: FANCI: BP4, BS1

Blueprint Genetics
Classification: Likely benign. Last evaluated: 2024-11-06. Review status: criteria provided, single submitter. Criteria: ACMG Guidelines, 2015. Collection method: clinical testing. Allele origin: germline.

KCCC/NGS Laboratory, Kuwait Cancer Control Center
Classification: Benign for Fanconi anemia complementation group I. Last evaluated: 2023-07-07. Review status: criteria provided, single submitter. Criteria: ACMG Guidelines, 2015. Collection method: clinical testing. Allele origin: germline. Affected: yes.

Fulgent Genetics
Classification: Likely benign for Fanconi anemia complementation group I. Last evaluated: 2022-03-24. Review status: criteria provided, single submitter. Criteria: ACMG Guidelines, 2015. Collection method: clinical testing. Allele origin: unknown.

Center for Pediatric Genomic Medicine, Children's Mercy Hospital and Clinics
Classification: Likely benign. Last evaluated: 2017-03-20. Review status: criteria provided, single submitter. Criteria: ACMG Guidelines, 2015. Collection method: clinical testing. Allele origin: germline.

Breakthrough Genomics
Classification: Likely benign. Review status: criteria provided, single submitter. Criteria: ACMG Guidelines, 2015. Collection method: not provided. Allele origin: germline. Inheritance: Autosomal recessive inheritance. Affected: yes.

NM_001113378.2(FANCI):c.1211T>C (p.Ile404Thr)

Gene: FANCI (FA complementation group I; plus strand). Cytogenetic location: 15q26.1.
Variant type: single nucleotide variant.
Coding change: c.1211T>C on transcript NM_001113378.2 (MANE Select); coding-DNA position 1211, T replaced by C.
Protein change: p.Ile404Thr; replaces isoleucine 404 with threonine.
Molecular consequence: missense variant.
Genome position (GRCh38, 1-based): chr15:89,276,809, T>C. VCF-style: chr15-89276809-T-C. GRCh37 (hg19) VCF-style: chr15-89820040-T-C.
Other names: c.932T>C, p.Ile311Thr (NM_001376910.1); c.1211T>C, p.Ile404Thr (NM_001376911.1, NM_018193.3); short protein forms I404T, I311T.
Identifiers: ClinVar variation 238307 (VCV000238307.29), dbSNP rs79080874, ClinGen allele CA7722946.
Genomic context (GRCh38, chr15:89,276,809, plus strand): 5'-AACTTGGTTTCATTTTGATGGATTCATATGGGCCAAAGAAGGTTCTTGATGGAAAAACTA[T>C]TGAAACCAGCCCAAGTCTTTCTAGAATGCCAAACCAGCATGCATGTAAGCTCGGAGCTAA-3'
Protein context (NP_001106849.1, residues 394-414): GPKKVLDGKT[Ile404Thr]ETSPSLSRMP